The following is an entry in ClinVar:

NM_001025603.2(RFX5):c.56del (p.Pro19fs)

Gene: RFX5 (regulatory factor X5; minus strand). Cytogenetic location: 1q21.3.
Variant type: Deletion.
Coding change: c.56del on transcript NM_001025603.2 (MANE Select); coding-DNA position 56, one base deleted (C; older notation c.56delC).
Protein change: p.Pro19fs; shifts the reading frame from proline 19.
Molecular consequence: frameshift variant.
Genome position (GRCh38, 1-based): chr1:151,346,265, G deleted on the plus strand (C on the coding strand, the reverse complement: RFX5 is on the minus strand); the first of 7 consecutive G bases (chr1:151,346,265-151,346,271); deleting any one gives the same sequence. VCF-style (leftmost placement, unchanged base first): chr1-151346264-TG-T. GRCh37 (hg19) VCF-style: chr1-151318740-TG-T.
Other names: c.56del, p.Pro19fs (NM_000449.4, NM_001379412.1, NM_001379413.1 and 7 more transcripts); short protein forms P19fs.
Identifiers: ClinVar variation 4760775 (VCV004760775.1).
Genomic context (GRCh38, chr1:151,346,264, plus strand): 5'-CGAAATGGTACCTCGGAGCCTCTGAAGAAGGGTGGTAGGTTCCCCAGCCTCAGCACCACC[TG>T]GGGGGGCCCTTCCCCCAGTCTTGGGGCTCTTAGCATCAGGCTCATCTTCTGCCATCCCGG-3'

ClinVar aggregate classification (germline): Pathogenic (1 of 4 stars; one submission).

Conditions:
MHC class II deficiency. Also called: BLS, TYPE II; Bare lymphocyte syndrome 2. Identifiers: Orphanet 572, MedGen C5447452, MONDO:0008855.

Submission:

Labcorp Genetics (formerly Invitae), Labcorp
Classification: Pathogenic for MHC class II deficiency. Last evaluated: 2025-08-15. Review status: criteria provided, single submitter. Criteria: Invitae Variant Classification Sherloc (09022015). Collection method: clinical testing. Allele origin: germline.
Comment: This sequence change creates a premature translational stop signal (p.Pro19Glnfs*28) in the RFX5 gene. It is expected to result in an absent or disrupted protein product. Loss-of-function variants in RFX5 are known to be pathogenic (PMID: 7744245, 9401005, 10079298). This variant is not present in population databases (gnomAD no frequency). This variant has not been reported in the literature in individuals affected with RFX5-related conditions. For these reasons, this variant has been classified as Pathogenic.

Literature cited by the submitters: PubMed 7744245; PubMed 9401005; PubMed 10079298.